The following is an entry in ClinVar:

ClinVar aggregate classification (germline): Conflicting classifications of pathogenicity. Review status: criteria provided, conflicting classifications (1 of 4 stars). 8 submissions from 8 submitters: Pathogenic (2); Likely pathogenic (3); Uncertain significance (3). Last evaluated 2026-06-15.

Conditions:
MYO15A-related disorder. Also called: MYO15A-related condition.
Autosomal recessive nonsyndromic hearing loss 3. Also called: NEUROSENSORY NONSYNDROMIC RECESSIVE DEAFNESS 3. Identifiers: Orphanet 90636, MedGen C1838263, MONDO:0010860, OMIM 600316.

Allele frequency attached by ClinVar (database versions not stated): gnomAD 0.00001; TOPMed 0.00001; ExAC 0.00003; gnomAD exomes 0.00003.
gnomAD v4.1: 63 of 1,614,120 alleles (0.0039%); highest among the groups gnomAD compares: East Asian, 0.14%; no homozygotes.

Submissions (8):

Rare Disease Center, Seoul National University Hospital
Classification: Likely pathogenic for Autosomal recessive nonsyndromic hearing loss 3. Last evaluated: 2026-06-15. Review status: criteria provided, single submitter. Criteria: ACMG Guidelines, 2015. Collection method: research. Allele origin: paternal. Inheritance: Autosomal recessive inheritance.
Comment: It has been submitted as Pathogenic by multiple submitters to clinvar (PP5). The gnomAD genomes homozygous allele count is 0 (fewer than 2) with adequate coverage (31.6), and the gnomAD exomes homozygous allele count is also 0 (fewer than 2) with adequate coverage (35.1), satisfying PM2. Additionally, the variant has been detected in trans with a pathogenic variant, or in a homozygous or compound heterozygous state in affected cases (PM3).

This variant is found as compound heterozygote with the variant submitted on row 11.

Women's Health and Genetics/Laboratory Corporation of America, LabCorp
Classification: Likely pathogenic for Autosomal recessive nonsyndromic hearing loss 3. Last evaluated: 2025-06-11. Review status: criteria provided, single submitter. Criteria: LabCorp Variant Classification Summary - May 2015. Collection method: clinical testing. Allele origin: germline.
Comment: Variant summary: MYO15A c.10263C>G (p.Ile3421Met) results in a conservative amino acid change in the encoded protein sequence. Algorithms developed to predict the effect of missense changes on protein structure and function are either unavailable or do not agree on the potential impact of this missense change. The variant allele was found at a frequency of 2.8e-05 in 249476 control chromosomes. c.10263C>G has been observed in the compound heterozygous state in individuals affected with Autosomal Recessive Nonsyndromic Hearing Loss 3 (Miyagawa_2013, Lee_2020, Miagawa_2015, Han_2024). These data indicate that the variant is likely to be associated with disease. To our knowledge, no experimental evidence demonstrating an impact on protein function has been reported. The following publications have been ascertained in the context of this evaluation (PMID: 38610765, 32238869, 25792667, 23967202). ClinVar contains an entry for this variant (Variation ID: 1303162). Based on the evidence outlined above, the variant was classified as likely pathogenic.

PreventionGenetics, part of Exact Sciences
Classification: Uncertain significance for MYO15A-related condition. Last evaluated: 2024-11-18. Review status: criteria provided, single submitter. Criteria: ACMG Guidelines, 2015. Collection method: clinical testing. Allele origin: germline.
Comment: The MYO15A c.10263C>G variant is predicted to result in the amino acid substitution p.Ile3421Met. This variant has been reported with unknown zygosity in a cohort of patients with hearing loss (Table S2, Miyagawa et al. 2013. PubMed ID: 23967202), in the compound heterozygous state along with a truncating variant in two siblings with post-lingual hearing loss (Chang et al. 2018. PubMed ID: 29482514), and along with a second potentially causative missense variant in two patients with nonsyndromic biliary atresia and adult post‑lingual hearing loss, respectively (Lam et al. 2021. PubMed ID: 34455394; Table S5, Rim et al. 2021. PubMed ID: 34519870). This variant is reported in 0.039% of alleles in individuals of East Asian descent in gnomAD. At this time, the clinical significance of this variant is uncertain due to the absence of conclusive functional and genetic evidence.

3billion
Classification: Likely pathogenic for Autosomal recessive nonsyndromic hearing loss 3. Last evaluated: 2024-08-14. Review status: criteria provided, single submitter. Criteria: ACMG Guidelines, 2015. Collection method: clinical testing. Allele origin: germline. Affected: yes.
Comment: The variant is observed at an extremely low frequency in the gnomAD v4.0.0 dataset (total allele frequency: 0.004%). Predicted Consequence/Location: The majority of the known disease-causing variants of this gene are variants expected to result in premature termination of the protein. In silico tool predictions suggest damaging effect of the variant on gene or gene product [REVEL: 0.58 (>=0.6, sensitivity 0.68 and specificity 0.92); 3Cnet: 0.62 (>=0.6, sensitivity 0.72 and precision 0.9)]. The variant has been reported to be in trans with a pathogenic variant as either compound heterozygous or homozygous in at least 2 similarly affected unrelated individuals (PMID: 25792667, 29482514). Therefore, this variant is classified as Likely pathogenic according to the recommendation of ACMG/AMP guideline.

Labcorp Genetics (formerly Invitae), Labcorp
Classification: Pathogenic. Last evaluated: 2024-05-06. Review status: criteria provided, single submitter. Criteria: Invitae Variant Classification Sherloc (09022015). Collection method: clinical testing. Allele origin: germline.
Comment: This sequence change replaces isoleucine, which is neutral and non-polar, with methionine, which is neutral and non-polar, at codon 3421 of the MYO15A protein (p.Ile3421Met). This variant is present in population databases (rs748246442, gnomAD 0.05%). This missense change has been observed in individual(s) with deafness (PMID: 23967202, 25792667, 29482514). In at least one individual the data is consistent with being in trans (on the opposite chromosome) from a pathogenic variant. It has also been observed to segregate with disease in related individuals. ClinVar contains an entry for this variant (Variation ID: 1303162). Advanced modeling of protein sequence and biophysical properties (such as structural, functional, and spatial information, amino acid conservation, physicochemical variation, residue mobility, and thermodynamic stability) performed at Invitae indicates that this missense variant is not expected to disrupt MYO15A protein function with a negative predictive value of 95%. Algorithms developed to predict the effect of sequence changes on RNA splicing suggest that this variant may disrupt the consensus splice site. For these reasons, this variant has been classified as Pathogenic.

GeneDx
Classification: Uncertain significance. Last evaluated: 2023-12-14. Review status: criteria provided, single submitter. Criteria: GeneDx Variant Classification Process June 2021. Collection method: clinical testing. Allele origin: germline. Affected: yes.
Comment: Identified in an additional patient with autosomal recessive sensorineural hearing loss in published literature (PMID: 23967202); In silico analysis supports that this missense variant does not alter protein structure/function; In silico analysis is inconclusive as to whether the variant alters gene splicing. In the absence of RNA/functional studies, the actual effect of this sequence change is unknown.; This variant is associated with the following publications: (PMID: 27375115, 30579064, 30953472, 29482514, 34455394, 23967202)

Blueprint Genetics
Classification: Pathogenic for MYO15A-related disorders. Last evaluated: 2020-10-26. Review status: criteria provided, single submitter. Criteria: ACMG Guidelines, 2015. Collection method: clinical testing. Allele origin: germline. Affected: yes. Observed: 1 variant allele.

Juno Genomics, Hangzhou Juno Genomics, Inc
Classification: Uncertain significance for Autosomal recessive nonsyndromic hearing loss 3. Review status: criteria provided, single submitter. Criteria: ACMG Guidelines, 2015. Collection method: clinical testing. Allele origin: germline. Affected: yes.
Comment: Multiple lines of computational evidence support a deleterious effect on the gene or gene product.;For recessive disorders, detected in trans with a pathogenic variant.

Literature cited by the submitters: PubMed 23967202 (cited by Women's Health and Genetics/Laboratory Corporation of America, LabCorp and Labcorp Genetics (formerly Invitae), Labcorp); PubMed 32238869 (cited by Women's Health and Genetics/Laboratory Corporation of America, LabCorp); PubMed 25792667 (cited by 3 submitters); PubMed 38610765 (cited by Women's Health and Genetics/Laboratory Corporation of America, LabCorp); PubMed 29482514 (cited by 3billion and Labcorp Genetics (formerly Invitae), Labcorp).

NM_016239.4(MYO15A):c.10263C>G (p.Ile3421Met)

Gene: MYO15A (myosin XVA; plus strand). Cytogenetic location: 17p11.2.
Variant type: single nucleotide variant.
Coding change: c.10263C>G on transcript NM_016239.4 (MANE Select); coding-DNA position 10263, C replaced by G.
Protein change: p.Ile3421Met; replaces isoleucine 3421 with methionine.
Molecular consequence: missense variant.
Genome position (GRCh38, 1-based): chr17:18,172,203, C>G. VCF-style: chr17-18172203-C-G. GRCh37 (hg19) VCF-style: chr17-18075517-C-G.
Other names: short protein forms I3421M.
Identifiers: ClinVar variation 1303162 (VCV001303162.12), dbSNP rs748246442, ClinGen allele CA8425862.